The following is an entry in ClinVar:

NM_014669.5(NUP93):c.990C>A (p.Asp330Glu)

Gene: NUP93 (nucleoporin 93; plus strand). Cytogenetic location: 16q13.
Variant type: single nucleotide variant.
Coding change: c.990C>A on transcript NM_014669.5 (MANE Select); coding-DNA position 990, C replaced by A.
Protein change: p.Asp330Glu; replaces aspartic acid 330 with glutamic acid.
Molecular consequence: missense variant.
Genome position (GRCh38, 1-based): chr16:56,830,590, C>A. VCF-style: chr16-56830590-C-A. GRCh37 (hg19) VCF-style: chr16-56864502-C-A.
Other names: c.621C>A, p.Asp207Glu (NM_001242795.2, NM_001242796.2); short protein forms D207E, D330E.
Identifiers: ClinVar variation 2176007 (VCV002176007.3), dbSNP rs201285651, ClinGen allele CA8068293.
Genomic context (GRCh38, chr16:56,830,590, plus strand): 5'-TGGAGAGGTGGAAGGCCATCCTGTGTGGGCGCTAATTTACTACTGCATGCGCTGTGGAGA[C>A]CTGCTTGCCGCTTCACAGGTAGTTAATCGAGCCCAGCACCAGCTGGGAGAGTTTAAAACC-3'
Protein context (NP_055484.3, residues 320-340): ALIYYCMRCG[Asp330Glu]LLAASQVVNR

ClinVar aggregate classification (germline): Uncertain significance (1 of 4 stars; one submission).

Allele frequency attached by ClinVar (database versions not stated): ExAC 0.00004; gnomAD exomes 0.00004; TOPMed 0.00005; gnomAD 0.00007; 1000 Genomes Project 30x 0.00016; 1000 Genomes Project 0.00020.
gnomAD v4.1: 62 of 1,611,102 alleles (0.0038%); highest among the groups gnomAD compares: Non-Finnish European, 0.0048%; no homozygotes.

Submission:

Labcorp Genetics (formerly Invitae), Labcorp
Classification: Uncertain significance. Last evaluated: 2024-10-30. Review status: criteria provided, single submitter. Criteria: Invitae Variant Classification Sherloc (09022015). Collection method: clinical testing. Allele origin: germline.
Comment: This sequence change replaces aspartic acid, which is acidic and polar, with glutamic acid, which is acidic and polar, at codon 330 of the NUP93 protein (p.Asp330Glu). This variant is present in population databases (rs201285651, gnomAD 0.009%). This variant has not been reported in the literature in individuals affected with NUP93-related conditions. ClinVar contains an entry for this variant (Variation ID: 2176007). Invitae Evidence Modeling of protein sequence and biophysical properties (such as structural, functional, and spatial information, amino acid conservation, physicochemical variation, residue mobility, and thermodynamic stability) indicates that this missense variant is not expected to disrupt NUP93 protein function with a negative predictive value of 80%. In summary, the available evidence is currently insufficient to determine the role of this variant in disease. Therefore, it has been classified as a Variant of Uncertain Significance.